The following is an entry in ClinVar:

NM_005476.7(GNE):c.601_604dup (p.Arg202fs)

Gene: GNE (glucosamine (UDP-N-acetyl)-2-epimerase/N-acetylmannosamine kinase; minus strand). Cytogenetic location: 9p13.3.
Variant type: Duplication.
Coding change: c.601_604dup on transcript NM_005476.7 (MANE Select); coding-DNA positions 601 to 604, 4 bases duplicated (ATTC; older notation c.601_604dupATTC).
Protein change: p.Arg202fs; shifts the reading frame from arginine 202.
Molecular consequence: frameshift variant.
Genome position (GRCh38, 1-based): chr9:36,246,043-36,246,046, GAAT duplicated on the plus strand (ATTC on the coding strand, the reverse complement: GNE is on the minus strand); duplicating any 4 consecutive bases within chr9:36,246,043-36,246,048 gives the same sequence; the c. name uses the placement nearest the transcript's 3' end. VCF-style (leftmost placement, unchanged base first): chr9-36246042-C-CGAAT. GRCh37 (hg19) VCF-style: chr9-36246039-C-CGAAT.
Other names: c.694_697dup (NM_001128227.2); c.694_697dup, p.Arg233fs (NM_001128227.3); c.601_604dup, p.Arg202fs (NM_001190383.3, NM_001374797.1); c.424_427dup, p.Arg143fs (NM_001190384.3, NM_001190388.2, NM_001374798.1); short protein forms R143fs, R202fs, R233fs.
Identifiers: ClinVar variation 496957 (VCV000496957.12), dbSNP rs886042120, ClinGen allele CA10603834.

ClinVar aggregate classification (germline): Pathogenic/Likely pathogenic. Review status: criteria provided, multiple submitters, no conflicts (2 of 4 stars). 3 submissions from 3 submitters: Pathogenic (2); Likely pathogenic (1). Last evaluated 2023-11-02.

Conditions:
Sialuria. Also called: Sialic Acid Storage Disease; SIALURIA, FRENCH TYPE. Identifiers: Orphanet 3166, MedGen C0342853, MONDO:0010028, OMIM 269921.
GNE myopathy (NM). Also called: NONAKA DISTAL MYOPATHY; MYOPATHY, DISTAL, WITH OR WITHOUT RIMMED VACUOLES; INCLUSION BODY MYOPATHY, HEREDITARY, AUTOSOMAL RECESSIVE; INCLUSION BODY MYOPATHY 2, AUTOSOMAL RECESSIVE; IBM 2; Inclusion body myopathy autosomal recessive. Identifiers: Orphanet 602, MedGen C1853926, MONDO:0011603, OMIM 605820.

Submissions (3):

Baylor Genetics
Classification: Likely pathogenic for GNE myopathy. Last evaluated: 2023-11-02. Review status: criteria provided, single submitter. Criteria: ACMG Guidelines, 2015. Collection method: clinical testing. Allele origin: unknown.

Labcorp Genetics (formerly Invitae), Labcorp
Classification: Pathogenic for Sialuria; GNE myopathy. Last evaluated: 2023-05-21. Review status: criteria provided, single submitter. Criteria: Invitae Variant Classification Sherloc (09022015). Collection method: clinical testing. Allele origin: germline.
Comment: This variant is present in population databases (no rsID available, gnomAD 0.0009%). For these reasons, this variant has been classified as Pathogenic. ClinVar contains an entry for this variant (Variation ID: 496957). This variant has not been reported in the literature in individuals affected with GNE-related conditions. This sequence change creates a premature translational stop signal (p.Arg233Hisfs*7) in the GNE gene. It is expected to result in an absent or disrupted protein product. Loss-of-function variants in GNE are known to be pathogenic (PMID: 24027297).

Eurofins Ntd Llc (ga)
Classification: Pathogenic. Last evaluated: 2015-07-16. Review status: criteria provided, single submitter. Criteria: EGL Classification Definitions 2015. Collection method: clinical testing. Allele origin: germline. Observed: 1 variant allele, 1 heterozygote.

Literature cited by the submitters: PubMed 24027297 (cited by Labcorp Genetics (formerly Invitae), Labcorp).